The following is an entry in ClinVar:

NM_004563.4(PCK2):c.68C>G (p.Ser23Ter)

Genes: NRL (neural retina leucine zipper; minus strand), PCK2 (phosphoenolpyruvate carboxykinase 2, mitochondrial; plus strand). Cytogenetic location: 14q11.2.
Variant type: single nucleotide variant.
Coding change: c.68C>G on transcript NM_004563.4 (MANE Select); coding-DNA position 68, C replaced by G.
Protein change: p.Ser23Ter; replaces serine 23 with a stop codon.
Molecular consequence: nonsense. On other transcripts: 5 prime UTR variant (1), intron variant (4).
Genome position (GRCh38, 1-based): chr14:24,096,930, C>G. VCF-style: chr14-24096930-C-G. GRCh37 (hg19) VCF-style: chr14-24566139-C-G.
Other names: c.68C>G, p.Ser23Ter (NM_001018073.3); c.-335C>G (NM_001308054.2); c.-27-14055G>C (NM_001354768.3, NM_001354770.2); c.-253-12185G>C (NM_006177.5); c.-127-1273C>G (NM_001291556.2); short protein forms S23*.
Identifiers: ClinVar variation 374449 (VCV000374449.74), dbSNP rs61752842, ClinGen allele CA7123013.

ClinVar aggregate classification (germline): Conflicting classifications of pathogenicity. Review status: criteria provided, conflicting classifications (1 of 4 stars). 9 submissions from 9 submitters: Uncertain significance (5); Likely benign (3). 1 of the submissions does not count toward it. Last evaluated 2026-09-01.

Conditions:
Phosphoenolpyruvate carboxykinase deficiency, mitochondrial. Also called: PCK2 DEFICIENCY; PEPCK2 DEFICIENCY. Identifiers: Orphanet 2880, MedGen C1849821, MONDO:0009864, OMIM 261650.

Allele frequency attached by ClinVar (database versions not stated): 1000 Genomes Project 30x 0.00125; 1000 Genomes Project 0.00140; ExAC 0.00198; gnomAD 0.00202 and 0.00208; TOPMed 0.00204; ESP Exome Variant Server 0.00223.
gnomAD v4.1: 4,834 of 1,613,536 alleles (0.3%); highest among the groups gnomAD compares: Non-Finnish European, 0.37%; 10 homozygotes.

Submissions (9):

CeGaT Center for Human Genetics Tuebingen
Classification: Likely benign. Last evaluated: 2026-09-01. Review status: criteria provided, single submitter. Criteria: CeGaT Center For Human Genetics Tuebingen Variant Classification Criteria Version 2. Collection method: clinical testing. Allele origin: germline. Affected: yes. Observed: 4 variant alleles.
Comment: PCK2: BS2

Labcorp Genetics (formerly Invitae), Labcorp
Classification: Likely benign. Last evaluated: 2026-01-27. Review status: criteria provided, single submitter. Criteria: Invitae Variant Classification Sherloc (09022015). Collection method: clinical testing. Allele origin: germline.

GeneDx
Classification: Uncertain significance. Last evaluated: 2024-07-08. Review status: criteria provided, single submitter. Criteria: GeneDx Variant Classification Process June 2021. Collection method: clinical testing. Allele origin: germline. Affected: yes.
Comment: Identified in a patient with ataxia and weakness exacerbated by illness who also harbors an an additional missense variant in the PCK2 gene (PMID: 36845668); Reported as a de novo variant in a patient from the Deciphering Developmental Disorders cohort who also harbors additional de novo variants in a large cohort of individuals with cardiovascular disease traits (PMID: 31345219, 31785789); Nonsense variant predicted to result in protein truncation or nonsense mediated decay in a gene or region of a gene for which loss of function is not a well-established mechanism of disease; Variants in candidate genes are classified as variants of uncertain significance in accordance with ACMG guidelines (PMID: 25741868); This variant is associated with the following publications: (PMID: 31345219, 36845668, 31785789)

Department of Pathology and Laboratory Medicine, Sinai Health System
Classification: Uncertain significance for Phosphoenolpyruvate carboxykinase deficiency, mitochondrial. Last evaluated: 2023-08-09. Review status: criteria provided, single submitter. Criteria: ACMG Guidelines, 2015. Collection method: research. Allele origin: germline.

Genomic Research Center, Shahid Beheshti University of Medical Sciences
Classification: Likely benign for Phosphoenolpyruvate carboxykinase deficiency, mitochondrial. Last evaluated: 2020-05-03. Review status: criteria provided, single submitter. Criteria: ACMG Guidelines, 2015. Collection method: clinical testing. Allele origin: unknown. Affected: yes.

ARUP Laboratories, Molecular Genetics and Genomics, ARUP Laboratories
Classification: Uncertain significance. Last evaluated: 2019-11-20. Review status: criteria provided, single submitter. Criteria: ARUP Molecular Germline Variant Investigation Process. Collection method: clinical testing. Allele origin: germline.

Eurofins Ntd Llc (ga)
Classification: Uncertain significance. Last evaluated: 2017-01-10. Review status: criteria provided, single submitter. Criteria: EGL Classification Definitions 2015. Collection method: clinical testing. Allele origin: germline. Observed: 4 variant alleles, 4 heterozygotes.

Laboratory for Molecular Medicine, Mass General Brigham Personalized Medicine
Classification: Uncertain significance. Last evaluated: 2016-09-30. Review status: criteria provided, single submitter. Criteria: LMM Criteria. Collection method: clinical testing. Allele origin: germline. Observed: 1 variant allele.
Comment: The p.Ser23X variant in PCK2 has not been previously reported in individuals wit h PEPCK deficiency, but has been identified in 0.5% (61/11556) of Latino chromos omes by the Exome Aggregation Consortium (ExAC; dbSNP rs61752842) including two homozygote individuals. This nonsense variant le ads to a premature termination codon at position 23, which is predicted to lead to a truncated or absent protein. However, a role for PCK2 loss of function vari ants in disease has not been established. In summary, while the clinical signifi cance of the p.Ser23X variant is uncertain, the frequency data in ExAC suggest a more likely benign role.

Mayo Clinic Laboratories, Mayo Clinic
Classification: Uncertain significance. Last evaluated: 2016-03-14. Review status: no assertion criteria provided. Collection method: clinical testing. Allele origin: unknown. Not counted in ClinVar's aggregate classification.